The following is an entry in ClinVar:

NM_004612.4(TGFBR1):c.467A>T (p.His156Leu)

Gene: TGFBR1 (transforming growth factor beta receptor 1; plus strand). Cytogenetic location: 9q22.33.
Variant type: single nucleotide variant.
Coding change: c.467A>T on transcript NM_004612.4 (MANE Select); coding-DNA position 467, A replaced by T.
Protein change: p.His156Leu; replaces histidine 156 with leucine.
Molecular consequence: missense variant. On other transcripts: non-coding transcript variant (4), intron variant (3).
Genome position (GRCh38, 1-based): chr9:99,132,632, A>T. VCF-style: chr9-99132632-A-T. GRCh37 (hg19) VCF-style: chr9-101894914-A-T.
Other names: c.479A>T, p.His160Leu (NM_001306210.2, NM_001407416.1); c.467A>T, p.His156Leu (NM_001407417.1, NM_001407435.1); c.272A>T, p.His91Leu (NM_001407418.1, NM_001407419.1, NM_001407420.1 and 1 more transcripts); c.260A>T, p.His87Leu (NM_001407423.1, NM_001407424.1, NM_001407425.1 and 8 more transcripts); c.221A>T, p.His74Leu (NM_001407436.1); c.343+3532A>T (NM_001130916.3); c.98-5227A>T (NM_001407438.1); c.98-9904A>T (NM_001407437.1); short protein forms H156L, H160L, H74L, H87L, H91L.
Identifiers: ClinVar variation 4801816 (VCV004801816.1).

ClinVar aggregate classification (germline): Uncertain significance (1 of 4 stars; one submission).

Conditions:
Familial thoracic aortic aneurysm and aortic dissection (TAAD). Also called: Thoracic aortic aneurysms and dissections. Identifiers: Orphanet 91387, MedGen C4707243, MONDO:0019625.

gnomAD v4.1: 1 of 1,614,168 alleles (0.000062%); highest among the groups gnomAD compares: Non-Finnish European, 0.000085%; no homozygotes.

Submission:

Labcorp Genetics (formerly Invitae), Labcorp
Classification: Uncertain significance for Familial thoracic aortic aneurysm and aortic dissection. Last evaluated: 2025-10-09. Review status: criteria provided, single submitter. Criteria: Invitae Variant Classification Sherloc (09022015). Collection method: clinical testing. Allele origin: germline.
Comment: This sequence change replaces histidine, which is basic and polar, with leucine, which is neutral and non-polar, at codon 156 of the TGFBR1 protein (p.His156Leu). This variant is not present in population databases (gnomAD no frequency). This variant has not been reported in the literature in individuals affected with TGFBR1-related conditions. Invitae Evidence Modeling of protein sequence and biophysical properties (such as structural, functional, and spatial information, amino acid conservation, physicochemical variation, residue mobility, and thermodynamic stability) indicates that this missense variant is not expected to disrupt TGFBR1 protein function with a negative predictive value of 95%. In summary, the available evidence is currently insufficient to determine the role of this variant in disease. Therefore, it has been classified as a Variant of Uncertain Significance.